The following is an entry in ClinVar:

ClinVar aggregate classification (germline): Uncertain significance (1 of 4 stars; one submission).

Conditions:
Hyper-IgE recurrent infection syndrome 1, autosomal dominant. Also called: STAT3 Hyper IgE Syndrome; Hyper-IgE recurrent infection syndrome 1; JOB SYNDROME; Job's Syndrome; HYPER-IgE SYNDROME 1, AUTOSOMAL DOMINANT, WITH RECURRENT INFECTIONS. Identifiers: Orphanet 2314, MedGen C2936739, MONDO:0007818, OMIM 147060.
STAT3 gain of function. Identifiers: MedGen C4288261.

Submission:

Labcorp Genetics (formerly Invitae), Labcorp
Classification: Uncertain significance for STAT3 gain of function; Hyper-IgE recurrent infection syndrome 1, autosomal dominant. Last evaluated: 2025-04-17. Review status: criteria provided, single submitter. Criteria: Invitae Variant Classification Sherloc (09022015). Collection method: clinical testing. Allele origin: germline.
Comment: This sequence change replaces methionine, which is neutral and non-polar, with leucine, which is neutral and non-polar, at codon 185 of the STAT3 protein (p.Met185Leu). This variant is not present in population databases (gnomAD no frequency). This variant has not been reported in the literature in individuals affected with STAT3-related conditions. ClinVar contains an entry for this variant (Variation ID: 3749307). An algorithm developed to predict the effect of missense changes on protein structure and function (PolyPhen-2) suggests that this variant is likely to be tolerated. In summary, the available evidence is currently insufficient to determine the role of this variant in disease. Therefore, it has been classified as a Variant of Uncertain Significance.

NM_139276.3(STAT3):c.553A>T (p.Met185Leu)

Gene: STAT3 (signal transducer and activator of transcription 3; minus strand). Cytogenetic location: 17q21.2.
Variant type: single nucleotide variant.
Coding change: c.553A>T on transcript NM_139276.3 (MANE Select); coding-DNA position 553, A replaced by T.
Protein change: p.Met185Leu; replaces methionine 185 with leucine.
Molecular consequence: missense variant.
Genome position (GRCh38, 1-based): chr17:42,337,855, T>A on the plus strand (A>T on the coding strand, the complement: STAT3 is on the minus strand). VCF-style: chr17-42337855-T-A. GRCh37 (hg19) VCF-style: chr17-40489873-T-A.
Other names: c.553A>T, p.Met185Leu (NM_001369512.1, NM_001369513.1, NM_001369514.1 and 15 more transcripts); c.475A>T, p.Met159Leu (NM_001384985.1); c.457A>T, p.Met153Leu (NM_001384989.1); short protein forms M153L, M159L, M185L.
Identifiers: ClinVar variation 3749307 (VCV003749307.2).
Genomic context (GRCh38, chr17:42,337,855, plus strand): 5'-GTTCCAGCTGCTGCATCTTCTGCCTGGTCACTGACTGGTTGTTTCCATTCAGATCTTGCA[T>A]GTCTGCGAAGGAAGAAAAAACTCCTTGACCTGAGGGAATACTCCTTGACCTGAGGGAATA-3'
Protein context (NP_644805.1, residues 175-195): NYKTLKSQGD[Met185Leu]QDLNGNNQSV